The following is an entry in ClinVar:

ClinVar aggregate classification (germline): Likely benign (1 of 4 stars; one submission).

Submission:

CeGaT Center for Human Genetics Tuebingen
Classification: Likely benign. Last evaluated: 2024-01-01. Review status: criteria provided, single submitter. Criteria: CeGaT Center For Human Genetics Tuebingen Variant Classification Criteria Version 2. Collection method: clinical testing. Allele origin: germline. Affected: yes. Observed: 1 variant allele.
Comment: TTC21B: PM2:Supporting, BP4, BP7

NM_024753.5(TTC21B):c.1701G>A (p.Leu567=)

Gene: TTC21B (tetratricopeptide repeat domain 21B; minus strand). Cytogenetic location: 2q24.3.
Variant type: single nucleotide variant.
Coding change: c.1701G>A on transcript NM_024753.5 (MANE Select); coding-DNA position 1701, G replaced by A.
Protein change: p.Leu567=; no amino-acid change (leucine 567 retained).
Molecular consequence: synonymous variant.
Genome position (GRCh38, 1-based): chr2:165,917,455, C>T on the plus strand (G>A on the coding strand, the complement: TTC21B is on the minus strand). VCF-style: chr2-165917455-C-T. GRCh37 (hg19) VCF-style: chr2-166773965-C-T.
Identifiers: ClinVar variation 3026829 (VCV003026829.22), dbSNP rs2468181284, ClinGen allele CA429974626.